The following is an entry in ClinVar:

ClinVar aggregate classification (germline): Pathogenic. Review status: criteria provided, multiple submitters, no conflicts (2 of 4 stars). 3 submissions from 3 submitters: Pathogenic (2). 1 of the submissions does not count toward it. Last evaluated 2026-04-28.

Conditions:
Tumor predisposition syndrome 2 (TPDS2). Also called: MBD4-ASSOCIATED NEOPLASIA SYNDROME; MBD4-Related Tumor Predisposition Syndrome; MBD4-associated neoplasia syndrome (MANS). Identifiers: Orphanet 661526, MedGen C5774186, MONDO:0859267, OMIM 619975.
MBD4-related disorder. Also called: MBD4-related condition.

Allele frequency attached by ClinVar (database versions not stated): TOPMed below 0.00001; ExAC 0.00001; gnomAD 0.00001; gnomAD exomes 0.00001.

Submissions (3):

Myriad Genetics, Inc.
Classification: Pathogenic for Tumor predisposition syndrome 2. Last evaluated: 2026-04-28. Review status: criteria provided, single submitter. Criteria: Myriad Autosomal Dominant, Autosomal Recessive and X-Linked Classification Criteria (2023). Collection method: clinical testing. Allele origin: unknown.
Comment: This variant is considered pathogenic. This variant creates a termination codon and is predicted to result in premature protein truncation.

Labcorp Genetics (formerly Invitae), Labcorp
Classification: Pathogenic. Last evaluated: 2023-11-21. Review status: criteria provided, single submitter. Criteria: Invitae Variant Classification Sherloc (09022015). Collection method: clinical testing. Allele origin: germline.
Comment: This sequence change creates a premature translational stop signal (p.Asn206*) in the MBD4 gene. It is expected to result in an absent or disrupted protein product. Loss-of-function variants in MBD4 are known to be pathogenic (PMID: 30049810, 35460607). This variant is present in population databases (rs769552413, gnomAD 0.0009%). This variant has not been reported in the literature in individuals affected with MBD4-related conditions. For these reasons, this variant has been classified as Pathogenic.

PreventionGenetics, part of Exact Sciences
Classification: Uncertain significance for MBD4-related condition. Last evaluated: 2024-03-05. Review status: no assertion criteria provided. Collection method: clinical testing. Allele origin: germline. Not counted in ClinVar's aggregate classification.
Comment: The MBD4 c.615dupT variant is predicted to result in premature protein termination (p.Asn206*). To our knowledge, this variant has not been reported in the literature. This variant is reported in 0.00088% of alleles in individuals of European (Non-Finnish) descent in gnomAD. Loss of function has not been conclusively established as a mechanism for MBD4-related disorders. Although we suspect that this variant may be pathogenic, at this time, the clinical significance of this variant is uncertain due to the absence of conclusive functional and genetic evidence.

Literature cited by the submitters: PubMed 30049810 (cited by Labcorp Genetics (formerly Invitae), Labcorp); PubMed 35460607 (cited by Labcorp Genetics (formerly Invitae), Labcorp).

NM_001276270.2(MBD4):c.615dup (p.Asn206Ter)

Gene: MBD4 (methyl-CpG binding domain 4, DNA glycosylase; minus strand). Cytogenetic location: 3q21.3.
Variant type: Duplication.
Coding change: c.615dup on transcript NM_001276270.2 (MANE Select); coding-DNA position 615, one base duplicated (T; older notation c.615dupT).
Protein change: p.Asn206Ter; replaces asparagine 206 with a stop codon.
Molecular consequence: nonsense. On other transcripts: intron variant (1).
Genome position (GRCh38, 1-based): chr3:129,437,029, A duplicated on the plus strand (T on the coding strand, the reverse complement: MBD4 is on the minus strand). VCF-style (leftmost placement, unchanged base first): chr3-129437028-T-TA. GRCh37 (hg19) VCF-style: chr3-129155871-T-TA.
Other names: c.615dup, p.Asn206Ter (NM_001276271.2, NM_001276272.2, NM_003925.3); c.247+779dup (NM_001276273.2); c.615dupT (NM_003925.2); short protein forms N206*.
Identifiers: ClinVar variation 2697830 (VCV002697830.5), dbSNP rs769552413, ClinGen allele CA2605498.